The following is an entry in ClinVar:

ClinVar aggregate classification (germline): Uncertain significance (1 of 4 stars; one submission).

Conditions:
Bloom syndrome (BLM). Also called: Bloom-Torre-Machacek syndrome. Identifiers: Orphanet 125, MedGen C0005859, MONDO:0008876, OMIM 210900.

Submission:

Labcorp Genetics (formerly Invitae), Labcorp
Classification: Uncertain significance for Bloom syndrome. Last evaluated: 2021-03-18. Review status: criteria provided, single submitter. Criteria: Invitae Variant Classification Sherloc (09022015). Collection method: clinical testing. Allele origin: germline.
Comment: This sequence change replaces serine with alanine at codon 729 of the BLM protein (p.Ser729Ala). The serine residue is moderately conserved and there is a moderate physicochemical difference between serine and alanine. This variant is not present in population databases (ExAC no frequency). In summary, the available evidence is currently insufficient to determine the role of this variant in disease. Therefore, it has been classified as a Variant of Uncertain Significance. Experimental studies are conflicting or provide insufficient evidence to determine the effect of this variant on BLM protein function (PMID: 25901030). This variant has not been reported in the literature in individuals with BLM-related conditions.

Literature cited by the submitters: PubMed 25901030.

NM_000057.4(BLM):c.2185T>G (p.Ser729Ala)

Gene: BLM (BLM RecQ like helicase; plus strand). Cytogenetic location: 15q26.1.
Variant type: single nucleotide variant.
Coding change: c.2185T>G on transcript NM_000057.4 (MANE Select); coding-DNA position 2185, T replaced by G.
Protein change: p.Ser729Ala; replaces serine 729 with alanine.
Molecular consequence: missense variant.
Genome position (GRCh38, 1-based): chr15:90,765,406, T>G. VCF-style: chr15-90765406-T-G. GRCh37 (hg19) VCF-style: chr15-91308636-T-G.
Other names: c.2185T>G, p.Ser729Ala (NM_001287246.2, NM_001287247.2); c.1060T>G, p.Ser354Ala (NM_001287248.2); short protein forms S729A, S354A.
Identifiers: ClinVar variation 1379671 (VCV001379671.8), dbSNP rs2151162523, ClinGen allele CA393844736.